The following is an entry in ClinVar:

NM_000257.4(MYH7):c.4644+2TG[7]

Genes: MHRT (myosin heavy chain associated RNA transcript; plus strand), MYH7 (myosin heavy chain 7; minus strand). Cytogenetic location: 14q11.2.
Variant type: Microsatellite.
Coding change: c.4644+2TG[7] on transcript NM_000257.4 (MANE Select); seven copies in a row of the 2-base unit TG starting at c.4644+2; the reference has six copies in a row; one copy, 2 bases duplicated.
Molecular consequence: splice donor variant.
Genome position (GRCh38, 1-based): chr14:23,416,855-23,416,856, CA duplicated on the plus strand (TG on the coding strand, the reverse complement: MYH7 is on the minus strand); duplicating any 2 consecutive bases within chr14:23,416,855-23,416,867 gives the same sequence; the position shown is the placement nearest the transcript's 3' end. VCF-style (leftmost placement, unchanged base first): chr14-23416854-G-GCA. GRCh37 (hg19) VCF-style: chr14-23886063-G-GCA.
Other names: c.4644+12_4644+13dupTG (NM_000257.4).
Identifiers: ClinVar variation 1623146 (VCV001623146.9), dbSNP rs143276274, ClinGen allele CA7116295.

ClinVar aggregate classification (germline): Likely benign. Review status: criteria provided, multiple submitters, no conflicts (2 of 4 stars). 2 submissions from 2 submitters: Likely benign (2). Last evaluated 2025-05-23.

Conditions:
Hypertrophic cardiomyopathy. Also called: HYPERTROPHIC MYOCARDIOPATHY. Identifiers: Orphanet 217569, MedGen C0007194, MeSH D002312, MONDO:0005045, HP:0001639.

Submissions (2):

Labcorp Genetics (formerly Invitae), Labcorp
Classification: Likely benign for Hypertrophic cardiomyopathy. Last evaluated: 2025-05-23. Review status: criteria provided, single submitter. Criteria: Invitae Variant Classification Sherloc (09022015). Collection method: clinical testing. Allele origin: germline.

Women's Health and Genetics/Laboratory Corporation of America, LabCorp
Classification: Likely benign. Last evaluated: 2024-06-18. Review status: criteria provided, single submitter. Criteria: LabCorp Variant Classification Summary - May 2015. Collection method: clinical testing. Allele origin: germline.
Comment: Variant summary: MYH7 c.4644+12_4644+13dupTG alters a nucleotide located at a position not widely known to affect splicing. Consensus agreement among computation tools predict no significant impact on normal splicing. However, these predictions have yet to be confirmed by functional studies. The variant allele was found at a frequency of 3.7e-05 in 245194 control chromosomes. The available data on variant occurrences in the general population are insufficient to allow any conclusion about variant significance. To our knowledge, no occurrence of c.4644+12_4644+13dupTG in individuals affected with Cardiomyopathy and no experimental evidence demonstrating its impact on protein function have been reported. ClinVar contains an entry for this variant (Variation ID: 1623146). Based on the evidence outlined above, the variant was classified as likely benign.